The following is an entry in ClinVar:

ClinVar aggregate classification (germline): Pathogenic. Review status: criteria provided, multiple submitters, no conflicts (2 of 4 stars). 2 submissions from 2 submitters: Pathogenic (2). Last evaluated 2025-02-10.

Conditions:
COL4A1-related disorder. Also called: COL4A1-related condition; COL4A1-related disorders. Identifiers: MedGen CN376119, MONDO:0800461.

Submissions (2):

Greenwood Genetic Center Diagnostic Laboratories, Greenwood Genetic Center
Classification: Pathogenic for COL4A1-related disorder. Last evaluated: 2025-02-10. Review status: criteria provided, single submitter. Criteria: ACMG Guidelines, 2015. Collection method: clinical testing. Allele origin: germline. Affected: yes.
Comment: PS2, PM1, PM2, PM5, PP2, PP3

Labcorp Genetics (formerly Invitae), Labcorp
Classification: Pathogenic. Last evaluated: 2024-04-30. Review status: criteria provided, single submitter. Criteria: Invitae Variant Classification Sherloc (09022015). Collection method: clinical testing. Allele origin: germline.
Comment: This sequence change replaces glycine, which is neutral and non-polar, with serine, which is neutral and polar, at codon 829 of the COL4A1 protein (p.Gly829Ser). This variant is not present in population databases (gnomAD no frequency). This missense change has been observed in individual(s) with COL4A1-related conditions (Invitae). In at least one individual the variant was observed to be de novo. An algorithm developed to predict the effect of missense changes on protein structure and function (PolyPhen-2) suggests that this variant is likely to be tolerated. This variant disrupts the triple helix domain of COL4A1. Glycine residues within the Gly-Xaa-Yaa repeats of the triple helix domain are required for the structure and stability of fibrillar collagens (PMID: 7695699, 8218237, 19344236). In COL4A1 variants affecting these glycine residues are significantly enriched in individuals with disease (PMID: 9016532, 17078022) compared to the general population (ExAC). For these reasons, this variant has been classified as Pathogenic.

Literature cited by the submitters: PubMed 7695699 (cited by Labcorp Genetics (formerly Invitae), Labcorp); PubMed 8218237 (cited by Labcorp Genetics (formerly Invitae), Labcorp); PubMed 19344236 (cited by Labcorp Genetics (formerly Invitae), Labcorp); PubMed 9016532 (cited by Labcorp Genetics (formerly Invitae), Labcorp); PubMed 17078022 (cited by Labcorp Genetics (formerly Invitae), Labcorp).

NM_001845.6(COL4A1):c.2485G>A (p.Gly829Ser)

Gene: COL4A1 (collagen type IV alpha 1 chain; minus strand). Cytogenetic location: 13q34.
Variant type: single nucleotide variant.
Coding change: c.2485G>A on transcript NM_001845.6 (MANE Select); coding-DNA position 2485, G replaced by A.
Protein change: p.Gly829Ser; replaces glycine 829 with serine.
Molecular consequence: missense variant.
Genome position (GRCh38, 1-based): chr13:110,178,205, C>T on the plus strand (G>A on the coding strand, the complement: COL4A1 is on the minus strand). VCF-style: chr13-110178205-C-T. GRCh37 (hg19) VCF-style: chr13-110830552-C-T.
Other names: short protein forms G829S.
Identifiers: ClinVar variation 3649169 (VCV003649169.3).